The following is an entry in ClinVar:

NM_005378.6(MYCN):c.633_634dup (p.Ala212fs)

Gene: MYCN (MYCN proto-oncogene, bHLH transcription factor; plus strand). Cytogenetic location: 2p24.3.
Variant type: Duplication.
Coding change: c.633_634dup on transcript NM_005378.6 (MANE Select); coding-DNA positions 633 to 634, 2 bases duplicated (TG; older notation c.633_634dupTG).
Protein change: p.Ala212fs; shifts the reading frame from alanine 212.
Molecular consequence: frameshift variant. On other transcripts: 3 prime UTR variant (1), intron variant (1).
Genome position (GRCh38, 1-based): chr2:15,942,697-15,942,698, TG duplicated; duplicating any 2 consecutive bases within chr2:15,942,696-15,942,698 gives the same sequence; the c. name uses the placement nearest the transcript's 3' end. VCF-style (leftmost placement, unchanged base first): chr2-15942695-A-AGT. GRCh37 (hg19) VCF-style: chr2-16082817-A-AGT.
Other names: c.633_634dup, p.Ala212fs (NM_001293228.2); c.*568_*569dup (NM_001293233.2); c.157+1954_157+1955dup (NM_001293231.2); short protein forms A212fs.
Identifiers: ClinVar variation 2581158 (VCV002581158.2), dbSNP rs2527927639, ClinGen allele CA2582342357.

ClinVar aggregate classification (germline): Likely pathogenic (1 of 4 stars; one submission).

Conditions:
Feingold syndrome type 1 (FGLDS1). Also called: MICROCEPHALY, MENTAL RETARDATION, AND TRACHEOESOPHAGEAL FISTULA SYNDROME; MICROCEPHALY-OCULO-DIGITO-ESOPHAGEAL-DUODENAL SYNDROME; OCULODIGITOESOPHAGODUODENAL SYNDROME; ODED SYNDROME; MICROCEPHALY AND DIGITAL ABNORMALITIES WITH NORMAL INTELLIGENCE. Identifiers: Orphanet 1305, Orphanet 391641, MedGen C4551774, MONDO:0008115, OMIM 164280.

Submission:

Laboratorio De Medicina Genomica, Universidad Icesi
Classification: Likely pathogenic for Feingold syndrome type 1. Last evaluated: 2023-09-29. Review status: criteria provided, single submitter. Criteria: ACMG Guidelines, 2015. Collection method: research. Allele origin: germline. Inheritance: Autosomal dominant inheritance. Affected: yes. Observed: 1 heterozygote.
Comment: Feingold syndrome (FGLDS1; 164280) is an autosomal dominant disorder characterized by a variable combination of esophageal and duodenal atresias, microcephaly, learning difficulties, syndactyly, and cardiac defects. Sequencing of the MYCN gene in unrelated Feingold syndrome families revealed a range of heterozygous mutations, emphasizing its central role in the syndrome's etiology. Marcelis et al. (2008) further substantiated the clinical relevance of MYCN mutations by identifying a spectrum of mutations in individuals with Feingold syndrome, underscoring the importance of examining MYCN in cases with characteristic features like digital anomalies and microcephaly. In summary, the variant c.633_634dup is classified as likely pathogenic (PVS1- PM2) according to the ACMG (American College of Medical Genetics) criteria.